The following is an entry in ClinVar:

ClinVar aggregate classification (germline): Conflicting classifications of pathogenicity. Review status: criteria provided, conflicting classifications (1 of 4 stars). 2 submissions from 2 submitters: Pathogenic (1); Uncertain significance (1). Last evaluated 2025-02-10.

Conditions:
Autosomal recessive limb-girdle muscular dystrophy type 2L (LGMDR12). Also called: Limb-Girdle Muscular Dystrophy R12 Anoctamin-5-Related (LGMD-R12); Limb-girdle muscular dystrophy, type 2L; MUSCULAR DYSTROPHY, LIMB-GIRDLE, AUTOSOMAL RECESSIVE 12. Identifiers: Orphanet 206549, MedGen C1969785, MONDO:0012652, OMIM 611307.
Gnathodiaphyseal dysplasia (GDD). Also called: GNATHODIAPHYSEAL SCLEROSIS; OSTEOGENESIS IMPERFECTA WITH UNUSUAL SKELETAL LESIONS. Identifiers: Orphanet 53697, MedGen C1833736, MONDO:0008151, OMIM 166260.

Allele frequency attached by ClinVar (database versions not stated): gnomAD exomes 0.00001.

Submissions (2):

Labcorp Genetics (formerly Invitae), Labcorp
Classification: Pathogenic for Autosomal recessive limb-girdle muscular dystrophy type 2L; Gnathodiaphyseal dysplasia. Last evaluated: 2025-02-10. Review status: criteria provided, single submitter. Criteria: Invitae Variant Classification Sherloc (09022015). Collection method: clinical testing. Allele origin: germline.
Comment: This sequence change replaces tyrosine, which is neutral and polar, with cysteine, which is neutral and slightly polar, at codon 819 of the ANO5 protein (p.Tyr819Cys). This variant is not present in population databases (gnomAD no frequency). This missense change has been observed in individual(s) with autosomal recessive limb-girdle muscular dystrophy (PMID: 26436962, 38544359). In at least one individual the data is consistent with being in trans (on the opposite chromosome) from a pathogenic variant. ClinVar contains an entry for this variant (Variation ID: 446841). Invitae Evidence Modeling of protein sequence and biophysical properties (such as structural, functional, and spatial information, amino acid conservation, physicochemical variation, residue mobility, and thermodynamic stability) indicates that this missense variant is expected to disrupt ANO5 protein function with a positive predictive value of 95%. For these reasons, this variant has been classified as Pathogenic.

Athena Diagnostics
Classification: Uncertain significance. Last evaluated: 2016-08-30. Review status: criteria provided, single submitter. Criteria: Athena Diagnostics Criteria. Collection method: clinical testing. Allele origin: germline.

Literature cited by the submitters: PubMed 26436962 (cited by Labcorp Genetics (formerly Invitae), Labcorp and Athena Diagnostics); PubMed 38544359 (cited by Labcorp Genetics (formerly Invitae), Labcorp).

NM_213599.3(ANO5):c.2456A>G (p.Tyr819Cys)

Gene: ANO5 (anoctamin 5; plus strand). Cytogenetic location: 11p14.3.
Variant type: single nucleotide variant.
Coding change: c.2456A>G on transcript NM_213599.3 (MANE Select); coding-DNA position 2456, A replaced by G.
Protein change: p.Tyr819Cys; replaces tyrosine 819 with cysteine.
Molecular consequence: missense variant.
Genome position (GRCh38, 1-based): chr11:22,276,135, A>G. VCF-style: chr11-22276135-A-G. GRCh37 (hg19) VCF-style: chr11-22297681-A-G.
Other names: c.2453A>G, p.Tyr818Cys (NM_001142649.2); short protein forms Y819C, Y818C.
Identifiers: ClinVar variation 446841 (VCV000446841.9), dbSNP rs1554935116, ClinGen allele CA379924585.
Genomic context (GRCh38, chr11:22,276,135, plus strand): 5'-ATTTACTTCCACTTTTCAGGTACAGAGATTACAGATATCCTCCTGATGACGAGAATAAAT[A>G]TTTTCATAATATGCAATTCTGGCATGTCCTTGCTGCCAAGATGACCTTCATCATTGTTAT-3'
Protein context (NP_998764.1, residues 809-829): YRYPPDDENK[Tyr819Cys]FHNMQFWHVL